The following is an entry in ClinVar:

ClinVar aggregate classification (germline): Uncertain significance (1 of 4 stars; one submission).

Conditions:
Familial hypocalciuric hypercalcemia (FHH). Also called: Familial benign hypercalcemia. Identifiers: Orphanet 405, MedGen C1809471, MONDO:0018458.
Autosomal dominant hypocalcemia 1 (HYPOC1). Also called: HYPOCALCEMIA, FAMILIAL. Identifiers: MedGen C3715128, MONDO:0011013, OMIM 601198.

Submission:

Labcorp Genetics (formerly Invitae), Labcorp
Classification: Uncertain significance for Familial hypocalciuric hypercalcemia; Autosomal dominant hypocalcemia 1. Last evaluated: 2023-05-07. Review status: criteria provided, single submitter. Criteria: Invitae Variant Classification Sherloc (09022015). Collection method: clinical testing. Allele origin: germline.
Comment: This sequence change replaces phenylalanine, which is neutral and non-polar, with leucine, which is neutral and non-polar, at codon 38 of the CASR protein (p.Phe38Leu). This variant is not present in population databases (gnomAD no frequency). This variant has not been reported in the literature in individuals affected with CASR-related conditions. An algorithm developed to predict the effect of missense changes on protein structure and function (PolyPhen-2) suggests that this variant is likely to be disruptive. In summary, the available evidence is currently insufficient to determine the role of this variant in disease. Therefore, it has been classified as a Variant of Uncertain Significance.

NM_000388.4(CASR):c.114T>A (p.Phe38Leu)

Gene: CASR (calcium sensing receptor; plus strand). Cytogenetic location: 3q21.1.
Variant type: single nucleotide variant.
Coding change: c.114T>A on transcript NM_000388.4 (MANE Select); coding-DNA position 114, T replaced by A.
Protein change: p.Phe38Leu; replaces phenylalanine 38 with leucine.
Molecular consequence: missense variant.
Genome position (GRCh38, 1-based): chr3:122,254,303, T>A. VCF-style: chr3-122254303-T-A. GRCh37 (hg19) VCF-style: chr3-121973150-T-A.
Other names: c.114T>A, p.Phe38Leu (NM_001178065.2); short protein forms F38L.
Identifiers: ClinVar variation 2947539 (VCV002947539.3), dbSNP rs61733590, ClinGen allele CA354362159.